The following is an entry in ClinVar:

NM_005591.4(MRE11):c.562A>G (p.Arg188Gly)

Gene: MRE11 (MRE11 double strand break repair nuclease; minus strand). Cytogenetic location: 11q21.
Variant type: single nucleotide variant.
Coding change: c.562A>G on transcript NM_005591.4 (MANE Select); coding-DNA position 562, A replaced by G.
Protein change: p.Arg188Gly; replaces arginine 188 with glycine.
Molecular consequence: missense variant.
Genome position (GRCh38, 1-based): chr11:94,476,386, T>C on the plus strand (A>G on the coding strand, the complement: MRE11 is on the minus strand). VCF-style: chr11-94476386-T-C. GRCh37 (hg19) VCF-style: chr11-94209552-T-C.
Other names: c.562A>G, p.Arg188Gly (NM_001330347.2, NM_005590.4); short protein forms R188G.
Identifiers: ClinVar variation 997905 (VCV000997905.3), dbSNP rs1946857150, ClinGen allele CA382376995.
Genomic context (GRCh38, chr11:94,476,386, plus strand): 5'-TCTCATCTTCCTTTGGTCTCAACATTGTTACTTTTTTATTGACAAACATTCGATAGAGCC[T>C]TTCATCTGGAATGGATCCTGAAATGGACATTACATTATTTTTAAATTGTTTTCTTACTTC-3'
Protein context (NP_005582.1, residues 178-198): LYGLGSIPDE[Arg188Gly]LYRMFVNKKV

ClinVar aggregate classification (germline): Uncertain significance. Review status: criteria provided, multiple submitters, no conflicts (2 of 4 stars). 2 submissions from 2 submitters: Uncertain significance (2). Last evaluated 2021-08-29.

Conditions:
Hereditary cancer-predisposing syndrome. Also called: Neoplastic Syndromes, Hereditary; Hereditary Cancer Syndrome; Tumor predisposition; Hereditary neoplastic syndrome. Identifiers: Orphanet 140162, MedGen C0027672, MeSH D009386, MONDO:0015356.

Submissions (2):

Ambry Genetics
Classification: Uncertain significance for Hereditary cancer-predisposing syndrome. Last evaluated: 2021-08-29. Review status: criteria provided, single submitter. Criteria: Ambry Variant Classification Scheme 2023. Collection method: clinical testing. Allele origin: germline.
Comment: The p.R188G variant (also known as c.562A>G), located in coding exon 6 of the MRE11A gene, results from an A to G substitution at nucleotide position 562. The arginine at codon 188 is replaced by glycine, an amino acid with dissimilar properties. This amino acid position is conserved. In addition, this alteration is predicted to be deleterious by in silico analysis. Since supporting evidence is limited at this time, the clinical significance of this alteration remains unclear.

Women's Health and Genetics/Laboratory Corporation of America, LabCorp
Classification: Uncertain significance. Last evaluated: 2021-02-12. Review status: criteria provided, single submitter. Criteria: LabCorp Variant Classification Summary - May 2015. Collection method: clinical testing. Allele origin: germline.
Comment: Variant summary: MRE11 c.562A>G (p.Arg188Gly, gene name also known as MRE11A) results in a non-conservative amino acid change in the encoded protein sequence. Five of five in-silico tools predict a damaging effect of the variant on protein function. The variant was absent in 250808 control chromosomes. The available data on variant occurrences in the general population are insufficient to allow any conclusion about variant significance. To our knowledge, no occurrence of c.562A>G in individuals affected with Hereditary Breast And Ovarian Cancer Syndrome and no experimental evidence demonstrating its impact on protein function have been reported. No clinical diagnostic laboratories have submitted clinical-significance assessments for this variant to ClinVar after 2014. Based on the evidence outlined above, the variant was classified as uncertain significance.